The following is an entry in ClinVar:

NM_001375380.1(EBF3):c.489G>T (p.Arg163=)

Gene: EBF3 (EBF transcription factor 3; minus strand). Cytogenetic location: 10q26.3.
Variant type: single nucleotide variant.
Coding change: c.489G>T on transcript NM_001375380.1 (MANE Select); coding-DNA position 489, G replaced by T.
Protein change: p.Arg163=; no amino-acid change (arginine 163 retained).
Molecular consequence: synonymous variant.
Genome position (GRCh38, 1-based): chr10:129,957,323, C>A on the plus strand (G>T on the coding strand, the complement: EBF3 is on the minus strand). VCF-style: chr10-129957323-C-A. GRCh37 (hg19) VCF-style: chr10-131755587-C-A.
Other names: c.489G>T, p.Arg163= (NM_001005463.3, NM_001375379.1, NM_001375389.1 and 3 more transcripts).
Identifiers: ClinVar variation 3030150 (VCV003030150.2), dbSNP rs377458707, ClinGen allele CA5748706.
Genomic context (GRCh38, chr10:129,957,323, plus strand): 5'-AATGATTACAGGGTCTGAGGGCGTTTCGTTTCTATTGCCACAACTTTTCTTGTCACAGCA[C>A]CGGCTGTGGAGCAATTGTAAACAGTGGTTTTAATATGCATTTCCCCCTTTTATGCCCGAC-3'
Protein context (NP_001362309.1, residues 153-173): VLLTHEIMCS[Arg163=]CCDKKSCGNR

ClinVar aggregate classification (germline): Likely benign (0 of 4 stars; one submission).

Conditions:
EBF3-related disorder. Identifiers: MedGen CN239924.

Allele frequency attached by ClinVar (database versions not stated): gnomAD exomes 0.00003; ExAC 0.00013; ESP Exome Variant Server 0.00015; gnomAD 0.00027; TOPMed 0.00037.
gnomAD v4.1: 86 of 1,608,628 alleles (0.0053%); highest among the groups gnomAD compares: African/African-American, 0.1%; no homozygotes.

Submission:

PreventionGenetics, part of Exact Sciences
Classification: Likely benign for EBF3-related condition. Last evaluated: 2022-12-05. Review status: no assertion criteria provided. Collection method: clinical testing. Allele origin: germline.
Comment: This variant is classified as likely benign based on ACMG/AMP sequence variant interpretation guidelines (Richards et al. 2015 PMID: 25741868, with internal and published modifications).